The following is an entry in ClinVar:

ClinVar aggregate classification (germline): Uncertain significance (1 of 4 stars; one submission).

Allele frequency attached by ClinVar (database versions not stated): TOPMed below 0.00001; gnomAD 0.00001.
gnomAD v4.1: 1 of 1,523,244 alleles (0.000066%); highest among the groups gnomAD compares: East Asian, 0.0025%; no homozygotes.

Submission:

GeneDx
Classification: Uncertain significance. Last evaluated: 2022-02-23. Review status: criteria provided, single submitter. Criteria: GeneDx Variant Classification Process June 2021. Collection method: clinical testing. Allele origin: germline. Affected: yes.
Comment: Not observed at significant frequency in large population cohorts (gnomAD); In silico analysis supports that this missense variant does not alter protein structure/function; Has not been previously published as pathogenic or benign to our knowledge

NM_002397.5(MEF2C):c.1075C>A (p.Pro359Thr)

Gene: MEF2C (myocyte enhancer factor 2C; minus strand). Cytogenetic location: 5q14.3.
Variant type: single nucleotide variant.
Coding change: c.1075C>A on transcript NM_002397.5 (MANE Select); coding-DNA position 1075, C replaced by A.
Protein change: p.Pro359Thr; replaces proline 359 with threonine.
Molecular consequence: missense variant.
Genome position (GRCh38, 1-based): chr5:88,728,518, G>T on the plus strand (C>A on the coding strand, the complement: MEF2C is on the minus strand). VCF-style: chr5-88728518-G-T. GRCh37 (hg19) VCF-style: chr5-88024335-G-T.
Other names: c.1045C>A, p.Pro349Thr (NM_001131005.2, NM_001364343.2, NM_001364352.2); c.1105C>A, p.Pro369Thr (NM_001193347.1, NM_001364338.2); c.907C>A, p.Pro303Thr (NM_001193348.1); c.931C>A, p.Pro311Thr (NM_001193349.3, NM_001364332.2, NM_001364344.2 and 2 more transcripts); c.1075C>A, p.Pro359Thr (NM_001193350.2, NM_001363581.2, NM_001364329.2 and 9 more transcripts); c.1051C>A, p.Pro351Thr (NM_001308002.3, NM_001364333.2, NM_001364339.2 and 6 more transcripts); c.697C>A, p.Pro233Thr (NM_001364353.2, NM_001364356.2); c.625C>A, p.Pro209Thr (NM_001364357.2); short protein forms P209T, P233T, P303T, P311T, P349T, P351T, P359T, P369T.
Identifiers: ClinVar variation 1703271 (VCV001703271.2), dbSNP rs1355343472, ClinGen allele CA360422536.